The following is an entry in ClinVar:

ClinVar aggregate classification (germline): Likely benign. Review status: criteria provided, multiple submitters, no conflicts (2 of 4 stars). 6 submissions from 6 submitters: Likely benign (5). 1 of the submissions does not count toward it. Last evaluated 2025-10-14.

Conditions:
SRCAP-related disorder. Also called: SRCAP-related condition.
Floating-Harbor syndrome (FLHS). Also called: SRCAP-Related Floating-Harbor Syndrome; Short stature with delayed bone age, expressive language delay, a triangular face with a prominent nose and deep-set eyes; Pelletier-Leisti syndrome. Identifiers: Orphanet 2044, MedGen C0729582, MONDO:0007621, OMIM 136140.
Developmental delay, hypotonia, musculoskeletal defects, and behavioral abnormalities. Identifiers: MedGen C5562012, MONDO:0859202, OMIM 619595.

Allele frequency attached by ClinVar (database versions not stated): ExAC 0.00024; TOPMed 0.00031; gnomAD exomes 0.00033 and 0.00053; ESP Exome Variant Server 0.00038; gnomAD 0.00039.
gnomAD v4.1: 829 of 1,614,018 alleles (0.051%); highest among the groups gnomAD compares: Non-Finnish European, 0.064%; 1 homozygote.

Submissions (6):

Labcorp Genetics (formerly Invitae), Labcorp
Classification: Likely benign. Last evaluated: 2025-10-14. Review status: criteria provided, single submitter. Criteria: Invitae Variant Classification Sherloc (09022015). Collection method: clinical testing. Allele origin: germline.

Women's Health and Genetics/Laboratory Corporation of America, LabCorp
Classification: Likely benign. Last evaluated: 2025-04-22. Review status: criteria provided, single submitter. Criteria: LabCorp Variant Classification Summary - May 2015. Collection method: clinical testing. Allele origin: germline.

Blueprint Genetics
Classification: Likely benign. Last evaluated: 2024-10-28. Review status: criteria provided, single submitter. Criteria: ACMG Guidelines, 2015. Collection method: clinical testing. Allele origin: germline.

CeGaT Center for Human Genetics Tuebingen
Classification: Likely benign. Last evaluated: 2022-11-01. Review status: criteria provided, single submitter. Criteria: CeGaT Center For Human Genetics Tuebingen Variant Classification Criteria Version 2. Collection method: clinical testing. Allele origin: germline. Affected: yes. Observed: 1 variant allele.
Comment: SRCAP: BP4, BP7

Fulgent Genetics
Classification: Likely benign for Floating-Harbor syndrome; Developmental delay, hypotonia, musculoskeletal defects, and behavioral abnormalities. Last evaluated: 2021-08-05. Review status: criteria provided, single submitter. Criteria: ACMG Guidelines, 2015. Collection method: clinical testing. Allele origin: unknown.

PreventionGenetics, part of Exact Sciences
Classification: Likely benign for SRCAP-related condition. Last evaluated: 2024-03-30. Review status: no assertion criteria provided. Collection method: clinical testing. Allele origin: germline. Not counted in ClinVar's aggregate classification.
Comment: This variant is classified as likely benign based on ACMG/AMP sequence variant interpretation guidelines (Richards et al. 2015 PMID: 25741868, with internal and published modifications).

NM_006662.3(SRCAP):c.8676T>G (p.Ala2892=)

Gene: SRCAP (Snf2 related CREBBP activator protein; plus strand). Cytogenetic location: 16p11.2.
Variant type: single nucleotide variant.
Coding change: c.8676T>G on transcript NM_006662.3 (MANE Select); coding-DNA position 8676, T replaced by G.
Protein change: p.Ala2892=; no amino-acid change (alanine 2892 retained).
Molecular consequence: synonymous variant.
Genome position (GRCh38, 1-based): chr16:30,738,716, T>G. VCF-style: chr16-30738716-T-G. GRCh37 (hg19) VCF-style: chr16-30750037-T-G.
Identifiers: ClinVar variation 318907 (VCV000318907.40), dbSNP rs140675498, ClinGen allele CA8012742.